The following is an entry in ClinVar:

NM_025103.4(IFT74):c.918G>A (p.Glu306=)

Gene: IFT74 (intraflagellar transport 74; plus strand). Cytogenetic location: 9p21.2.
Variant type: single nucleotide variant.
Coding change: c.918G>A on transcript NM_025103.4 (MANE Select); coding-DNA position 918, G replaced by A.
Protein change: p.Glu306=; no amino-acid change (glutamic acid 306 retained).
Molecular consequence: synonymous variant.
Genome position (GRCh38, 1-based): chr9:27,017,035, G>A. VCF-style: chr9-27017035-G-A. GRCh37 (hg19) VCF-style: chr9-27017033-G-A.
Other names: c.918G>A, p.Glu306= (NM_001099222.3, NM_001099223.3, NM_001099224.3 and 1 more transcripts).
Identifiers: ClinVar variation 720669 (VCV000720669.12), dbSNP rs138139190, ClinGen allele CA5015434.
Genomic context (GRCh38, chr9:27,017,035, plus strand): 5'-CCATCGAGATCAAATGATTGCAGAAGACAAAAGCATAGGATCTCCAATGGAAGAGAGAGA[G>A]AAATTACTTAAGCAGGTGGGCAAAACAAACATACTTATTTTAAGATGTCTGGTTTTGGTA-3'
Protein context (NP_079379.2, residues 296-316): KSIGSPMEER[Glu306=]KLLKQIKDDN

ClinVar aggregate classification (germline): Likely benign. Review status: criteria provided, multiple submitters, no conflicts (2 of 4 stars). 3 submissions from 3 submitters: Likely benign (3). Last evaluated 2026-08-01.

Allele frequency attached by ClinVar (database versions not stated): gnomAD exomes 0.00100 and 0.00055; 1000 Genomes Project 30x 0.00016; 1000 Genomes Project 0.00020; gnomAD 0.00049 and 0.00050; ExAC 0.00052; TOPMed 0.00054; ESP Exome Variant Server 0.00076.
gnomAD v4.1: 1,508 of 1,603,758 alleles (0.094%); highest among the groups gnomAD compares: Non-Finnish European, 0.12%; 1 homozygote.

Submissions (3):

CeGaT Center for Human Genetics Tuebingen
Classification: Likely benign. Last evaluated: 2026-08-01. Review status: criteria provided, single submitter. Criteria: CeGaT Center For Human Genetics Tuebingen Variant Classification Criteria Version 2. Collection method: clinical testing. Allele origin: germline. Affected: yes. Observed: 1 variant allele.
Comment: IFT74: BP4, BP7

Labcorp Genetics (formerly Invitae), Labcorp
Classification: Likely benign. Last evaluated: 2026-01-27. Review status: criteria provided, single submitter. Criteria: Invitae Variant Classification Sherloc (09022015). Collection method: clinical testing. Allele origin: germline.

Blueprint Genetics
Classification: Likely benign. Last evaluated: 2024-11-27. Review status: criteria provided, single submitter. Criteria: ACMG Guidelines, 2015. Collection method: clinical testing. Allele origin: germline.